The following is an entry in ClinVar:

ClinVar aggregate classification (germline): Uncertain significance. Review status: criteria provided, multiple submitters, no conflicts (2 of 4 stars). 2 submissions from 2 submitters: Uncertain significance (2). Last evaluated 2024-01-19.

Conditions:
Inborn genetic diseases. Identifiers: MedGen C0950123, MeSH D030342.

Allele frequency attached by ClinVar (database versions not stated): gnomAD 0.00001; TOPMed 0.00002.

Submissions (2):

Ambry Genetics
Classification: Uncertain significance for Inborn genetic diseases. Last evaluated: 2024-01-19. Review status: criteria provided, single submitter. Criteria: Ambry Variant Classification Scheme 2023. Collection method: clinical testing. Allele origin: germline.

Labcorp Genetics (formerly Invitae), Labcorp
Classification: Uncertain significance. Last evaluated: 2023-12-27. Review status: criteria provided, single submitter. Criteria: Invitae Variant Classification Sherloc (09022015). Collection method: clinical testing. Allele origin: germline.
Comment: This sequence change replaces glycine, which is neutral and non-polar, with glutamic acid, which is acidic and polar, at codon 633 of the PDE6B protein (p.Gly633Glu). This variant is not present in population databases (gnomAD no frequency). This variant has not been reported in the literature in individuals affected with PDE6B-related conditions. ClinVar contains an entry for this variant (Variation ID: 1950744). Advanced modeling of protein sequence and biophysical properties (such as structural, functional, and spatial information, amino acid conservation, physicochemical variation, residue mobility, and thermodynamic stability) performed at Invitae indicates that this missense variant is expected to disrupt PDE6B protein function with a positive predictive value of 80%. In summary, the available evidence is currently insufficient to determine the role of this variant in disease. Therefore, it has been classified as a Variant of Uncertain Significance.

NM_000283.4(PDE6B):c.1898G>A (p.Gly633Glu)

Gene: PDE6B (phosphodiesterase 6B; plus strand). Cytogenetic location: 4p16.3.
Variant type: single nucleotide variant.
Coding change: c.1898G>A on transcript NM_000283.4 (MANE Select); coding-DNA position 1898, G replaced by A.
Protein change: p.Gly633Glu; replaces glycine 633 with glutamic acid.
Molecular consequence: missense variant.
Genome position (GRCh38, 1-based): chr4:663,165, G>A. VCF-style: chr4-663165-G-A. GRCh37 (hg19) VCF-style: chr4-656954-G-A.
Other names: c.1898G>A (NM_000283.3); c.1898G>A, p.Gly633Glu (NM_001145291.2); c.1061G>A, p.Gly354Glu (NM_001145292.2, NM_001350154.3, NM_001379246.1 and 1 more transcripts); c.743G>A, p.Gly248Glu (NM_001350155.3); short protein forms G248E, G354E, G633E.
Identifiers: ClinVar variation 1950744 (VCV001950744.6), dbSNP rs1211020696, ClinGen allele CA355917933.
Genomic context (GRCh38, chr4:663,165, plus strand): 5'-AGAACCCCTTGGCTAAGCTCCACGGCTCCTCGATTTTGGAGCGGCACCACCTGGAGTTTG[G>A]GAAGTTCCTGCTCTCGGAGGAGGTTGGTATACTCACCCTCGGTTTCTGCTGTGGGCGCTG-3'
Protein context (NP_000274.3, residues 623-643): SILERHHLEF[Gly633Glu]KFLLSEETLN